The following is an entry in ClinVar:

NM_182931.3(KMT2E):c.5216T>C (p.Leu1739Ser)

Gene: KMT2E (lysine methyltransferase 2E (inactive); plus strand). Cytogenetic location: 7q22.3.
Variant type: single nucleotide variant.
Coding change: c.5216T>C on transcript NM_182931.3 (MANE Select); coding-DNA position 5216, T replaced by C.
Protein change: p.Leu1739Ser; replaces leucine 1739 with serine.
Molecular consequence: missense variant.
Genome position (GRCh38, 1-based): chr7:105,112,972, T>C. VCF-style: chr7-105112972-T-C. GRCh37 (hg19) VCF-style: chr7-104753419-T-C.
Other names: c.5090T>C, p.Leu1697Ser (NM_001410908.1); c.5216T>C, p.Leu1739Ser (NM_018682.4); short protein forms L1697S, L1739S.
Identifiers: ClinVar variation 1809842 (VCV001809842.1), dbSNP rs2536528333, ClinGen allele CA368794624.

ClinVar aggregate classification (germline): Uncertain significance (1 of 4 stars; one submission).

Allele frequency attached by ClinVar (database versions not stated): gnomAD exomes below 0.00001.
gnomAD v4.1: 8 of 1,614,026 alleles (0.0005%); highest among the groups gnomAD compares: East Asian, 0.0022%; no homozygotes.

Submission:

GeneDx
Classification: Uncertain significance. Last evaluated: 2022-06-28. Review status: criteria provided, single submitter. Criteria: GeneDx Variant Classification Process June 2021. Collection method: clinical testing. Allele origin: germline. Affected: yes.
Comment: Not observed at significant frequency in large population cohorts (gnomAD); In silico analysis supports that this missense variant does not alter protein structure/function; Has not been previously published as pathogenic or benign to our knowledge